The following is an entry in ClinVar:

NM_004104.5(FASN):c.2304+3A>G

Gene: FASN (fatty acid synthase; minus strand). Cytogenetic location: 17q25.3.
Variant type: single nucleotide variant.
Coding change: c.2304+3A>G on transcript NM_004104.5 (MANE Select); 3 bases into the intron after coding-DNA position 2304, A replaced by G.
Molecular consequence: intron variant.
Genome position (GRCh38, 1-based): chr17:82,088,966, T>C on the plus strand (A>G on the coding strand, the complement: FASN is on the minus strand). VCF-style: chr17-82088966-T-C. GRCh37 (hg19) VCF-style: chr17-80046842-T-C.
Identifiers: ClinVar variation 571059 (VCV000571059.6), dbSNP rs1568113090, ClinGen allele CA891843587.

ClinVar aggregate classification (germline): Uncertain significance (1 of 4 stars; one submission).

Conditions:
Epileptic encephalopathy. Identifiers: MedGen C0543888, HP:0200134.

Submission:

Labcorp Genetics (formerly Invitae), Labcorp
Classification: Uncertain significance for Epileptic encephalopathy. Last evaluated: 2023-08-04. Review status: criteria provided, single submitter. Criteria: Invitae Variant Classification Sherloc (09022015). Collection method: clinical testing. Allele origin: germline.
Comment: This sequence change falls in intron 14 of the FASN gene. It does not directly change the encoded amino acid sequence of the FASN protein. It affects a nucleotide within the consensus splice site. This variant is not present in population databases (gnomAD no frequency). This variant has not been reported in the literature in individuals affected with FASN-related conditions. ClinVar contains an entry for this variant (Variation ID: 571059). Variants that disrupt the consensus splice site are a relatively common cause of aberrant splicing (PMID: 17576681, 9536098). Algorithms developed to predict the effect of sequence changes on RNA splicing suggest that this variant may create or strengthen a splice site. In summary, the available evidence is currently insufficient to determine the role of this variant in disease. Therefore, it has been classified as a Variant of Uncertain Significance.

Literature cited by the submitters: PubMed 17576681; PubMed 9536098.